The following is an entry in ClinVar:

NM_001369.3(DNAH5):c.8960dup (p.Asn2987fs)

Gene: DNAH5 (dynein axonemal heavy chain 5; minus strand). Cytogenetic location: 5p15.2.
Variant type: Duplication.
Coding change: c.8960dup on transcript NM_001369.3 (MANE Select); coding-DNA position 8960, one base duplicated (A; older notation c.8960dupA).
Protein change: p.Asn2987fs; shifts the reading frame from asparagine 2987.
Molecular consequence: frameshift variant.
Genome position (GRCh38, 1-based): chr5:13,777,347, T duplicated on the plus strand (A on the coding strand, the reverse complement: DNAH5 is on the minus strand); the first of 2 consecutive T bases (chr5:13,777,347-13,777,348); duplicating either gives the same sequence. VCF-style (leftmost placement, unchanged base first): chr5-13777346-G-GT. GRCh37 (hg19) VCF-style: chr5-13777455-G-GT.
Other names: short protein forms N2987fs.
Identifiers: ClinVar variation 5015158 (VCV005015158.1).

ClinVar aggregate classification (germline): Pathogenic (1 of 4 stars; one submission).

Conditions:
Primary ciliary dyskinesia 3. Identifiers: Orphanet 244, MedGen C1837618, MONDO:0012085, OMIM 608644.

Submission:

Myriad Genetics, Inc.
Classification: Pathogenic for Primary ciliary dyskinesia 3. Last evaluated: 2025-10-30. Review status: criteria provided, single submitter. Criteria: Myriad Autosomal Dominant, Autosomal Recessive and X-Linked Classification Criteria (2023). Collection method: clinical testing. Allele origin: unknown.
Comment: NM_001369.2(DNAH5):c.8960dupA(N2987Kfs*31) is expected to be pathogenic in the context of primary ciliary dyskinesia, DNAH5-related. This variant is predicted to lead to an abnormal or absent protein product due to the creation of a premature termination codon in DNAH5, a gene where loss-of-function variants are known to be pathogenic. Please note: this variant was assessed in the context of healthy population screening.